The following is an entry in ClinVar:

ClinVar aggregate classification (germline): Uncertain significance (1 of 4 stars; one submission).

Conditions:
Deficiency of galactokinase. Also called: GALACTOSEMIA II; Galactokinase deficiency with cataracts. Identifiers: Orphanet 352, Orphanet 79237, MedGen C0268155, MONDO:0009255, OMIM 230200.

Submission:

Labcorp Genetics (formerly Invitae), Labcorp
Classification: Uncertain significance for Deficiency of galactokinase. Last evaluated: 2022-05-21. Review status: criteria provided, single submitter. Criteria: Invitae Variant Classification Sherloc (09022015). Collection method: clinical testing. Allele origin: germline.
Comment: This variant is not present in population databases (gnomAD no frequency). This sequence change replaces alanine, which is neutral and non-polar, with threonine, which is neutral and polar, at codon 266 of the GALK1 protein (p.Ala266Thr). This variant has not been reported in the literature in individuals affected with GALK1-related conditions. In summary, the available evidence is currently insufficient to determine the role of this variant in disease. Therefore, it has been classified as a Variant of Uncertain Significance. Algorithms developed to predict the effect of missense changes on protein structure and function (SIFT, PolyPhen-2, Align-GVGD) all suggest that this variant is likely to be tolerated.

NM_000154.2(GALK1):c.796G>A (p.Ala266Thr)

Gene: GALK1 (galactokinase 1; minus strand). Cytogenetic location: 17q25.1.
Variant type: single nucleotide variant.
Coding change: c.796G>A on transcript NM_000154.2 (MANE Select); coding-DNA position 796, G replaced by A.
Protein change: p.Ala266Thr; replaces alanine 266 with threonine.
Molecular consequence: missense variant.
Genome position (GRCh38, 1-based): chr17:75,758,597, C>T on the plus strand (G>A on the coding strand, the complement: GALK1 is on the minus strand). VCF-style: chr17-75758597-C-T. GRCh37 (hg19) VCF-style: chr17-73754678-C-T.
Other names: c.796G>A, p.Ala266Thr (NM_001381985.1); short protein forms A266T.
Identifiers: ClinVar variation 1931596 (VCV001931596.5), dbSNP rs1223044227, ClinGen allele CA401100644.